The following is an entry in ClinVar:

ClinVar aggregate classification (germline): Uncertain significance (1 of 4 stars; one submission).

Submission:

GeneDx
Classification: Uncertain significance. Last evaluated: 2022-03-19. Review status: criteria provided, single submitter. Criteria: GeneDx Variant Classification Process June 2021. Collection method: clinical testing. Allele origin: germline. Affected: yes.
Comment: Not observed at significant frequency in large population cohorts (gnomAD); In silico analysis supports that this missense variant does not alter protein structure/function; Has not been previously published as pathogenic or benign to our knowledge

NM_024496.4(IRF2BPL):c.676G>A (p.Ala226Thr)

Gene: IRF2BPL (interferon regulatory factor 2 binding protein like; minus strand). Cytogenetic location: 14q24.3.
Variant type: single nucleotide variant.
Coding change: c.676G>A on transcript NM_024496.4 (MANE Select); coding-DNA position 676, G replaced by A.
Protein change: p.Ala226Thr; replaces alanine 226 with threonine.
Molecular consequence: missense variant.
Genome position (GRCh38, 1-based): chr14:77,027,117, C>T on the plus strand (G>A on the coding strand, the complement: IRF2BPL is on the minus strand). VCF-style: chr14-77027117-C-T. GRCh37 (hg19) VCF-style: chr14-77493460-C-T.
Other names: short protein forms A226T.
Identifiers: ClinVar variation 1706367 (VCV001706367.2), dbSNP rs1480129319, ClinGen allele CA390498864.